The following is an entry in ClinVar:

ClinVar aggregate classification (germline): Pathogenic (1 of 4 stars; one submission).

Conditions:
Duchenne muscular dystrophy (DMD). Also called: MUSCULAR DYSTROPHY, PSEUDOHYPERTROPHIC PROGRESSIVE, DUCHENNE TYPE; Duchenne Muscular Dystrophy (DMD). Identifiers: Orphanet 98896, MedGen C0013264, MONDO:0010679, OMIM 310200.

Submission:

Labcorp Genetics (formerly Invitae), Labcorp
Classification: Pathogenic for Duchenne muscular dystrophy. Last evaluated: 2023-09-19. Review status: criteria provided, single submitter. Criteria: Invitae Variant Classification Sherloc (09022015). Collection method: clinical testing. Allele origin: unknown.
Comment: For these reasons, this variant has been classified as Pathogenic. A similar copy number variant has been observed in individuals with Becker muscular dystrophy and dilated cardiomyopathy and Duchenne muscular dystrophy (PMID: 8413368, 18353051). This variant is a gross deletion of the genomic region encompassing exon(s) 47 of the DMD gene. This variant would be expected to be in-frame, preserving the integrity of the reading frame.

Literature cited by the submitters: PubMed 8413368; PubMed 18353051.

NC_000023.11:g.(?_31929576)_(31929765_?)del

Gene: DMD (dystrophin; minus strand). Cytogenetic location: Xp21.1.
Variant type: Deletion.
Identifiers: ClinVar variation 3242723 (VCV003242723.1).